The following is an entry in ClinVar:

NM_024642.5(GALNT12):c.542-11dup

Gene: GALNT12 (polypeptide N-acetylgalactosaminyltransferase 12; plus strand). Cytogenetic location: 9q22.33.
Variant type: Duplication.
Coding change: c.542-11dup on transcript NM_024642.5 (MANE Select); 11 bases into the intron before coding-DNA position 542, one base duplicated (T; older notation c.542-11dupT).
Molecular consequence: intron variant.
Genome position (GRCh38, 1-based): chr9:98,826,741, T duplicated; the last of 3 consecutive T bases (chr9:98,826,739-98,826,741); duplicating any one gives the same sequence. VCF-style (leftmost placement, unchanged base first): chr9-98826738-G-GT. GRCh37 (hg19) VCF-style: chr9-101589020-G-GT.
Identifiers: ClinVar variation 2787526 (VCV002787526.4), dbSNP rs2490501138, ClinGen allele CA2739264865.
Genomic context (GRCh38, chr9:98,826,738, plus strand): 5'-AAGGCCCCGGGTTGGGATGAGGCGCTCCTCCGAGATTGTCACGGTGACCCCTGTTGCTTT[G>GT]TTTGCCTCCCTAGAGCACCTGAAGGAGCGCTTGGCCAATGAGCTTTCGGGACTGCCCAAG-3'

ClinVar aggregate classification (germline): Likely benign. Review status: criteria provided, multiple submitters, no conflicts (2 of 4 stars). 2 submissions from 2 submitters: Likely benign (2). Last evaluated 2026-04-21.

Conditions:
Colorectal cancer, susceptibility to, 1. Also called: COLORECTAL ADENOMA AND CANCER, SUSCEPTIBILITY TO; COLORECTAL CANCER, SUSCEPTIBILITY TO, ON CHROMOSOME 9. Identifiers: MedGen C1837315, MONDO:0012132, OMIM 608812.

Submissions (2):

Myriad Genetics, Inc.
Classification: Likely benign for Colorectal cancer, susceptibility to, 1. Last evaluated: 2026-04-21. Review status: criteria provided, single submitter. Criteria: Myriad Autosomal Dominant, Autosomal Recessive and X-Linked Classification Criteria (2023). Collection method: clinical testing. Allele origin: unknown.
Comment: This variant is considered likely benign. This variant is intronic and is not expected to impact mRNA splicing.

Labcorp Genetics (formerly Invitae), Labcorp
Classification: Likely benign. Last evaluated: 2023-09-13. Review status: criteria provided, single submitter. Criteria: Invitae Variant Classification Sherloc (09022015). Collection method: clinical testing. Allele origin: germline.